The following is an entry in ClinVar:

NM_001457.4(FLNB):c.292+12G>C

Gene: FLNB (filamin B; plus strand). Cytogenetic location: 3p14.3.
Variant type: single nucleotide variant.
Coding change: c.292+12G>C on transcript NM_001457.4 (MANE Select); 12 bases into the intron after coding-DNA position 292, G replaced by C.
Molecular consequence: intron variant.
Genome position (GRCh38, 1-based): chr3:58,008,868, G>C. VCF-style: chr3-58008868-G-C. GRCh37 (hg19) VCF-style: chr3-57994595-G-C.
Other names: c.292+12G>C (NM_001164317.2, NM_001164318.2, NM_001164319.2).
Identifiers: ClinVar variation 379652 (VCV000379652.15), dbSNP rs201148582, ClinGen allele CA2467487.

ClinVar aggregate classification (germline): Benign/Likely benign. Review status: criteria provided, multiple submitters, no conflicts (2 of 4 stars). 4 submissions from 4 submitters: Benign (1); Likely benign (3). Last evaluated 2026-02-01.

Conditions:
FLNB-Related Spectrum Disorders.

Allele frequency attached by ClinVar (database versions not stated): 1000 Genomes Project 0.00020; 1000 Genomes Project 30x 0.00031; TOPMed 0.00059; gnomAD 0.00064 and 0.00066; ESP Exome Variant Server 0.00077; gnomAD exomes 0.00081 and 0.00115; ExAC 0.00082.
gnomAD v4.1: 1,761 of 1,613,458 alleles (0.11%); highest among the groups gnomAD compares: Non-Finnish European, 0.14%; 3 homozygotes.

Submissions (4):

Labcorp Genetics (formerly Invitae), Labcorp
Classification: Benign. Last evaluated: 2026-02-01. Review status: criteria provided, single submitter. Criteria: Invitae Variant Classification Sherloc (09022015). Collection method: clinical testing. Allele origin: germline.

Blueprint Genetics
Classification: Likely benign. Last evaluated: 2024-11-08. Review status: criteria provided, single submitter. Criteria: ACMG Guidelines, 2015. Collection method: clinical testing. Allele origin: germline.

Illumina Laboratory Services, Illumina
Classification: Likely benign for FLNB-Related Spectrum Disorders. Last evaluated: 2018-01-13. Review status: criteria provided, single submitter. Criteria: ICSL Variant Classification Criteria 13 December 2019. Collection method: clinical testing. Allele origin: germline.
Comment: This variant was observed in the ICSL laboratory as part of a predisposition screen in an ostensibly healthy population. It had not been previously curated by ICSL or reported in the Human Gene Mutation Database (HGMD: prior to June 1st, 2018), and was therefore a candidate for classification through an automated scoring system. Utilizing variant allele frequency, disease prevalence and penetrance estimates, and inheritance mode, an automated score was calculated to assess if this variant is too frequent to cause the disease. Based on the score and internal cut-off values, a variant classified as likely benign is not then subjected to further curation. The score for this variant resulted in a classification of likely benign for this disease.

GeneDx
Classification: Likely benign. Last evaluated: 2017-08-28. Review status: criteria provided, single submitter. Criteria: GeneDx Variant Classification (06012015). Collection method: clinical testing. Allele origin: germline. Affected: yes.
Comment: This variant is considered likely benign or benign based on one or more of the following criteria: it is a conservative change, it occurs at a poorly conserved position in the protein, it is predicted to be benign by multiple in silico algorithms, and/or has population frequency not consistent with disease.